The following is an entry in ClinVar:

NM_032578.4(MYPN):c.47T>C (p.Leu16Pro)

Gene: MYPN (myopalladin; plus strand). Cytogenetic location: 10q21.3.
Variant type: single nucleotide variant.
Coding change: c.47T>C on transcript NM_032578.4 (MANE Select); coding-DNA position 47, T replaced by C.
Protein change: p.Leu16Pro; replaces leucine 16 with proline.
Molecular consequence: missense variant. On other transcripts: 5 prime UTR variant (1), non-coding transcript variant (1).
Genome position (GRCh38, 1-based): chr10:68,121,485, T>C. VCF-style: chr10-68121485-T-C. GRCh37 (hg19) VCF-style: chr10-69881242-T-C.
Other names: c.47T>C, p.Leu16Pro (NM_001256267.2); c.-1076T>C (NM_001256268.2); short protein forms L16P.
Identifiers: ClinVar variation 544041 (VCV000544041.10), dbSNP rs1241418398, ClinGen allele CA377103499.

ClinVar aggregate classification (germline): Uncertain significance. Review status: criteria provided, multiple submitters, no conflicts (2 of 4 stars). 3 submissions from 3 submitters: Uncertain significance (3). Last evaluated 2022-03-09.

Conditions:
Cardiovascular phenotype. Identifiers: MedGen CN230736.
Dilated cardiomyopathy 1KK (CMD1KK). Identifiers: Orphanet 154, Orphanet 75249, MedGen C3714995, MONDO:0014100, OMIM 615248.

Allele frequency attached by ClinVar (database versions not stated): gnomAD exomes below 0.00001; gnomAD 0.00001; TOPMed 0.00001.
gnomAD v4.1: 3 of 1,613,960 alleles (0.00019%); highest among the groups gnomAD compares: Non-Finnish European, 0.00025%; no homozygotes.

Submissions (3):

Labcorp Genetics (formerly Invitae), Labcorp
Classification: Uncertain significance for Dilated cardiomyopathy 1KK. Last evaluated: 2022-03-09. Review status: criteria provided, single submitter. Criteria: Invitae Variant Classification Sherloc (09022015). Collection method: clinical testing. Allele origin: germline.
Comment: This sequence change replaces leucine, which is neutral and non-polar, with proline, which is neutral and non-polar, at codon 16 of the MYPN protein (p.Leu16Pro). This variant is not present in population databases (gnomAD no frequency). This variant has not been reported in the literature in individuals affected with MYPN-related conditions. ClinVar contains an entry for this variant (Variation ID: 544041). Algorithms developed to predict the effect of missense changes on protein structure and function (SIFT, PolyPhen-2, Align-GVGD) all suggest that this variant is likely to be disruptive. In summary, the available evidence is currently insufficient to determine the role of this variant in disease. Therefore, it has been classified as a Variant of Uncertain Significance.

Ambry Genetics
Classification: Uncertain significance for Cardiovascular phenotype. Last evaluated: 2020-10-16. Review status: criteria provided, single submitter. Criteria: Ambry Variant Classification Scheme 2023. Collection method: clinical testing. Allele origin: germline.
Comment: The p.L16P variant (also known as c.47T>C), located in coding exon 1 of the MYPN gene, results from a T to C substitution at nucleotide position 47. The leucine at codon 16 is replaced by proline, an amino acid with similar properties. This amino acid position is highly conserved in available vertebrate species. In addition, this alteration is predicted to be deleterious by in silico analysis. Since supporting evidence is limited at this time, the clinical significance of this alteration remains unclear.

GeneDx
Classification: Uncertain significance. Last evaluated: 2019-10-31. Review status: criteria provided, single submitter. Criteria: GeneDx Variant Classification Process June 2021. Collection method: clinical testing. Allele origin: germline. Affected: yes.
Comment: Has not been previously published as pathogenic or benign to our knowledge; Reported in ClinVar as a variant of uncertain significance, but additional evidence is not available (ClinVar Variant ID#544041; Landrum et al., 2016); Not observed in large population cohorts (Lek et al., 2016); In silico analysis, which includes protein predictors and evolutionary conservation, supports that this variant does not alter protein structure/function